The following is an entry in ClinVar:

NM_001927.4(DES):c.155G>A (p.Arg52His)

Gene: DES (desmin; plus strand). Cytogenetic location: 2q35.
Variant type: single nucleotide variant.
Coding change: c.155G>A on transcript NM_001927.4 (MANE Select); coding-DNA position 155, G replaced by A.
Protein change: p.Arg52His; replaces arginine 52 with histidine.
Molecular consequence: missense variant.
Genome position (GRCh38, 1-based): chr2:219,418,617, G>A. VCF-style: chr2-219418617-G-A. GRCh37 (hg19) VCF-style: chr2-220283339-G-A.
Other names: c.155G>A, p.Arg52His (NM_001382708.1, NM_001382709.1, NM_001382710.1 and 3 more transcripts); short protein forms R52H.
Identifiers: ClinVar variation 1436507 (VCV001436507.8), dbSNP rs1372689272, ClinGen allele CA350683426.
Genomic context (GRCh38, chr2:219,418,617, plus strand): 5'-CGCCCGTGTTCCCGCGGGCGGGTTTCGGCTCTAAGGGCTCCTCCAGCTCGGTGACGTCCC[G>A]CGTGTACCAGGTGTCGCGCACGTCGGGCGGGGCCGGGGGCCTGGGGTCGCTGCGGGCCAG-3'
Protein context (NP_001918.3, residues 42-62): SKGSSSSVTS[Arg52His]VYQVSRTSGG

ClinVar aggregate classification (germline): Uncertain significance (1 of 4 stars; one submission).

Conditions:
Desmin-related myofibrillar myopathy (MFM1). Also called: Desminopathy; Desmin related myopathy (former name); Desmin storage myopathy (former name); MYOFIBRILLAR MYOPATHY WITH ARRHYTHMOGENIC RIGHT VENTRICULAR CARDIOMYOPATHY; DESMIN-RELATED MYOPATHY WITH ARRHYTHMOGENIC RIGHT VENTRICULAR CARDIOMYOPATHY; Myofibrillar myopathy 1. Identifiers: Orphanet 363543, Orphanet 98909, MedGen C1832370, MONDO:0011076, OMIM 601419.

Allele frequency attached by ClinVar (database versions not stated): gnomAD exomes below 0.00001.
gnomAD v4.1: 1 of 1,602,764 alleles (0.000062%); highest among the groups gnomAD compares: African/African-American, 0.0013%; no homozygotes.

Submission:

Labcorp Genetics (formerly Invitae), Labcorp
Classification: Uncertain significance for Desmin-related myofibrillar myopathy. Last evaluated: 2021-06-13. Review status: criteria provided, single submitter. Criteria: Invitae Variant Classification Sherloc (09022015). Collection method: clinical testing. Allele origin: germline.
Comment: In summary, the available evidence is currently insufficient to determine the role of this variant in disease. Therefore, it has been classified as a Variant of Uncertain Significance. Algorithms developed to predict the effect of missense changes on protein structure and function are either unavailable or do not agree on the potential impact of this missense change (SIFT: "Deleterious"; PolyPhen-2: "Not Available"; Align-GVGD: "Class C0"). This variant has not been reported in the literature in individuals with DES-related conditions. This variant is not present in population databases (ExAC no frequency). This sequence change replaces arginine with histidine at codon 52 of the DES protein (p.Arg52His). The arginine residue is highly conserved and there is a small physicochemical difference between arginine and histidine.